The following is an entry in ClinVar:

ClinVar aggregate classification (germline): Uncertain significance (1 of 4 stars; one submission).

Allele frequency attached by ClinVar (database versions not stated): gnomAD exomes below 0.00001; gnomAD 0.00001.
gnomAD v4.1: 3 of 1,613,962 alleles (0.00019%); highest among the groups gnomAD compares: Non-Finnish European, 0.00025%; no homozygotes.

Submission:

Labcorp Genetics (formerly Invitae), Labcorp
Classification: Uncertain significance. Last evaluated: 2022-11-17. Review status: criteria provided, single submitter. Criteria: Invitae Variant Classification Sherloc (09022015). Collection method: clinical testing. Allele origin: germline.
Comment: In summary, the available evidence is currently insufficient to determine the role of this variant in disease. Therefore, it has been classified as a Variant of Uncertain Significance. Advanced modeling of protein sequence and biophysical properties (such as structural, functional, and spatial information, amino acid conservation, physicochemical variation, residue mobility, and thermodynamic stability) performed at Invitae indicates that this missense variant is not expected to disrupt ATP6V1A protein function. This variant has not been reported in the literature in individuals affected with ATP6V1A-related conditions. This variant is present in population databases (no rsID available, gnomAD 0.002%). This sequence change replaces methionine, which is neutral and non-polar, with leucine, which is neutral and non-polar, at codon 540 of the ATP6V1A protein (p.Met540Leu).

NM_001690.4(ATP6V1A):c.1618A>T (p.Met540Leu)

Gene: ATP6V1A (ATPase H+ transporting V1 subunit A; plus strand). Cytogenetic location: 3q13.31.
Variant type: single nucleotide variant.
Coding change: c.1618A>T on transcript NM_001690.4 (MANE Select); coding-DNA position 1618, A replaced by T.
Protein change: p.Met540Leu; replaces methionine 540 with leucine.
Molecular consequence: missense variant.
Genome position (GRCh38, 1-based): chr3:113,805,382, A>T. VCF-style: chr3-113805382-A-T. GRCh37 (hg19) VCF-style: chr3-113524229-A-T.
Other names: short protein forms M540L.
Identifiers: ClinVar variation 2813423 (VCV002813423.3), dbSNP rs1191962490, ClinGen allele CA353993185.
Genomic context (GRCh38, chr3:113,805,382, plus strand): 5'-TTGTTAATTTTTTGGACCTTCATTTATTCTAGGTTCTGCCCATTCTACAAGACAGTAGGG[A>T]TGCTGTCCAACATGATTGCATTTTATGATATGGCTCGTAGAGCTGTTGAAACCACTGCCC-3'
Protein context (NP_001681.2, residues 530-550): RFCPFYKTVG[Met540Leu]LSNMIAFYDM